The following is an entry in ClinVar:

ClinVar aggregate classification (germline): Conflicting classifications of pathogenicity. Review status: criteria provided, conflicting classifications (1 of 4 stars). 3 submissions from 3 submitters: Uncertain significance (1); Benign (1); Likely benign (1). Last evaluated 2025-12-28.

Conditions:
Thyroid dyshormonogenesis 6 (TDH6). Also called: HYPOTHYROIDISM, CONGENITAL, DUE TO DYSHORMONOGENESIS, 6; THYROID HORMONOGENESIS, GENETIC DEFECT IN, 6; Genetic transient congenital hypothyroidism. Identifiers: Orphanet 226316, Orphanet 95716, MedGen C1846632, MONDO:0011792, OMIM 607200.

Allele frequency attached by ClinVar (database versions not stated): gnomAD 0.00006 and 0.00038; TOPMed 0.00008; gnomAD exomes 0.00060 and 0.00127; ExAC 0.00150; 1000 Genomes Project 30x 0.00187; 1000 Genomes Project 0.00240.
gnomAD v4.1: 944 of 1,614,220 alleles (0.058%); highest among the groups gnomAD compares: South Asian, 0.87%; 12 homozygotes.

Submissions (3):

Labcorp Genetics (formerly Invitae), Labcorp
Classification: Benign. Last evaluated: 2025-12-28. Review status: criteria provided, single submitter. Criteria: Invitae Variant Classification Sherloc (09022015). Collection method: clinical testing. Allele origin: germline.

CeGaT Center for Human Genetics Tuebingen
Classification: Likely benign. Last evaluated: 2025-08-01. Review status: criteria provided, single submitter. Criteria: CeGaT Center For Human Genetics Tuebingen Variant Classification Criteria Version 2. Collection method: clinical testing. Allele origin: germline. Affected: yes. Observed: 3 variant alleles.
Comment: DUOX2: BP4, BP7

Illumina Laboratory Services, Illumina
Classification: Uncertain significance for Thyroid dyshormonogenesis 6. Last evaluated: 2018-01-13. Review status: criteria provided, single submitter. Criteria: ICSL Variant Classification Criteria 13 December 2019. Collection method: clinical testing. Allele origin: germline.

NM_001363711.2(DUOX2):c.3615C>T (p.Phe1205=)

Gene: DUOX2 (dual oxidase 2; minus strand). Cytogenetic location: 15q21.1.
Variant type: single nucleotide variant.
Coding change: c.3615C>T on transcript NM_001363711.2 (MANE Select); coding-DNA position 3615, C replaced by T.
Protein change: p.Phe1205=; no amino-acid change (phenylalanine 1205 retained).
Molecular consequence: synonymous variant.
Genome position (GRCh38, 1-based): chr15:45,097,692, G>A on the plus strand (C>T on the coding strand, the complement: DUOX2 is on the minus strand). VCF-style: chr15-45097692-G-A. GRCh37 (hg19) VCF-style: chr15-45389890-G-A.
Other names: c.3615C>T, p.Phe1205= (NM_014080.5).
Identifiers: ClinVar variation 726443 (VCV000726443.38), dbSNP rs201261436, ClinGen allele CA7537796.